The following is an entry in ClinVar:

NM_015910.7(WDPCP):c.208+1G>A

Gene: WDPCP (WD repeat containing planar cell polarity effector; minus strand). Cytogenetic location: 2p15.
Variant type: single nucleotide variant.
Coding change: c.208+1G>A on transcript NM_015910.7 (MANE Select); the canonical splice donor site of the intron after coding-DNA position 208, G replaced by A.
Molecular consequence: splice donor variant.
Genome position (GRCh38, 1-based): chr2:63,487,446, C>T on the plus strand (G>A on the coding strand, the complement: WDPCP is on the minus strand). VCF-style: chr2-63487446-C-T. GRCh37 (hg19) VCF-style: chr2-63714580-C-T.
Other names: c.136+1G>A (NM_001354044.2); c.208+1G>A (NM_001354045.2).
Identifiers: ClinVar variation 861459 (VCV000861459.12), dbSNP rs187135801, ClinGen allele CA1682579.

ClinVar aggregate classification (germline): Uncertain significance. Review status: criteria provided, multiple submitters, no conflicts (2 of 4 stars). 4 submissions from 4 submitters: Uncertain significance (4). Last evaluated 2026-05-19.

Conditions:
Heart defect - tongue hamartoma - polysyndactyly syndrome. Also called: Congenital heart defects, hamartomas of tongue, and polysyndactyly. Identifiers: Orphanet 1338, MedGen C1857587, MONDO:0009008, OMIM 217085.
Bardet-Biedl syndrome 15 (BBS15). Identifiers: Orphanet 110, MedGen C3150127, MONDO:0014443, OMIM 615992.
WDPCP-related disorder. Also called: WDPCP-related condition.
Bardet-Biedl syndrome (BBS). Identifiers: Orphanet 110, MedGen C0752166, MONDO:0015229.

Allele frequency attached by ClinVar (database versions not stated): TOPMed 0.00018; gnomAD 0.00028 and 0.00029; 1000 Genomes Project 0.00100; 1000 Genomes Project 30x 0.00125.
gnomAD v4.1: 159 of 1,587,224 alleles (0.01%); highest among the groups gnomAD compares: Admixed American, 0.16%; 1 homozygote.

Submissions (5):

PreventionGenetics, part of Exact Sciences
Classification: Uncertain significance for WDPCP-related condition. Last evaluated: 2026-05-19. Review status: criteria provided, single submitter. Criteria: ACMG Guidelines, 2015. Collection method: clinical testing. Allele origin: germline.
Comment: The WDPCP c.208+1G>A variant is predicted to disrupt the GT donor site and interfere with normal splicing. This variant has been reported in one patient with atypical Alstrom syndrome in the absence of a second potentially causative variant (Table S2, Sanchez-Navarro et al. 2018. PubMed ID: 29588463). A small number of loss of function variants in this gene up and downstream of this position have been reported along with a second potentially causative variant in patients with variable features associated with planar cell polarity and ciliopathy disorders (Figure 4E, Kim et al. 2010. PubMed ID: 20671153; Saari et al. 2015. PubMed ID: 25427950; Toriyama et al. 2016. PubMed ID: 27158779; Table S2, Bertoli-Avella et al. 2021. PubMed ID: 32860008). However, to date, a limited number of variants in this gene have been reported in association with disease. This variant is reported in 0.14% of alleles in individuals of Latino descent, including one homozygote. Although we suspect that this variant may be benign, at this time, the clinical significance of this variant is uncertain due to the absence of conclusive functional and genetic evidence.

Blueprint Genetics
Classification: Uncertain significance. Last evaluated: 2024-11-19. Review status: criteria provided, single submitter. Criteria: ACMG Guidelines, 2015. Collection method: clinical testing. Allele origin: germline.

Fulgent Genetics
Classification: Uncertain significance for Heart defect - tongue hamartoma - polysyndactyly syndrome; Bardet-Biedl syndrome 15. Last evaluated: 2024-05-24. Review status: criteria provided, single submitter. Criteria: ACMG Guidelines, 2015. Collection method: clinical testing. Allele origin: germline.

Labcorp Genetics (formerly Invitae), Labcorp
Classification: Uncertain significance for Bardet-Biedl syndrome. Last evaluated: 2022-09-13. Review status: criteria provided, single submitter. Criteria: Invitae Variant Classification Sherloc (09022015). Collection method: clinical testing. Allele origin: germline.
Comment: This sequence change affects a donor splice site in intron 3 of the WDPCP gene. It is expected to disrupt RNA splicing. Variants that disrupt the donor or acceptor splice site typically lead to a loss of protein function (PMID: 16199547), and loss-of-function variants in WDPCP are known to be pathogenic (PMID: 20671153, 25427950, 27158779). This variant is present in population databases (rs187135801, gnomAD 0.1%), including at least one homozygous and/or hemizygous individual. Disruption of this splice site has been observed in individual(s) with atypical Alstr√∂m syndrome, but no second variant was reported in that individual (PMID: 29588463). ClinVar contains an entry for this variant (Variation ID: 861459). Algorithms developed to predict the effect of sequence changes on RNA splicing suggest that this variant may disrupt the consensus splice site. In summary, the available evidence is currently insufficient to determine the role of this variant in disease. Therefore, it has been classified as a Variant of Uncertain Significance.

Dr. Peter K. Rogan Lab, Western University
No classification provided (evidence only). Condition: Uterine corpus endometrial carcinoma. Review status: no classification provided. Collection method: in vitro. Allele origin: not applicable. Functional consequence: skipped exon. Not counted in ClinVar's aggregate classification.

Literature cited by the submitters: PubMed 16199547 (cited by Labcorp Genetics (formerly Invitae), Labcorp); PubMed 20671153 (cited by Labcorp Genetics (formerly Invitae), Labcorp); PubMed 25427950 (cited by Labcorp Genetics (formerly Invitae), Labcorp); PubMed 27158779 (cited by Labcorp Genetics (formerly Invitae), Labcorp); PubMed 29588463 (cited by Labcorp Genetics (formerly Invitae), Labcorp).